The following is an entry in ClinVar:

ClinVar aggregate classification (germline): Uncertain significance. Review status: criteria provided, multiple submitters, no conflicts (2 of 4 stars). 2 submissions from 2 submitters: Uncertain significance (2). Last evaluated 2024-02-12.

Conditions:
Cranioectodermal dysplasia 4 (CED4). Identifiers: Orphanet 1515, MedGen C3280616, MONDO:0013719, OMIM 614378.

Allele frequency attached by ClinVar (database versions not stated): gnomAD exomes 0.00002 and 0.00003; ExAC 0.00003.
gnomAD v4.1: 31 of 1,607,598 alleles (0.0019%); highest among the groups gnomAD compares: South Asian, 0.013%; no homozygotes.

Submissions (2):

Blueprint Genetics
Classification: Uncertain significance. Last evaluated: 2024-02-12. Review status: criteria provided, single submitter. Criteria: ACMG Guidelines, 2015. Collection method: clinical testing. Allele origin: germline.

Centre for Mendelian Genomics, University Medical Centre Ljubljana
Classification: Uncertain significance for Cranioectodermal dysplasia 4. Last evaluated: 2018-12-15. Review status: criteria provided, single submitter. Criteria: ACMG Guidelines, 2015. Collection method: clinical testing. Allele origin: unknown. Affected: yes.
Comment: This variant was classified as: Uncertain significance. The following ACMG criteria were applied in classifying this variant: PM2,PP3,PP4.

NM_025132.4(WDR19):c.3874T>C (p.Cys1292Arg)

Gene: WDR19 (WD repeat domain 19; plus strand). Cytogenetic location: 4p14.
Variant type: single nucleotide variant.
Coding change: c.3874T>C on transcript NM_025132.4 (MANE Select); coding-DNA position 3874, T replaced by C.
Protein change: p.Cys1292Arg; replaces cysteine 1292 with arginine.
Molecular consequence: missense variant.
Genome position (GRCh38, 1-based): chr4:39,278,164, T>C. VCF-style: chr4-39278164-T-C. GRCh37 (hg19) VCF-style: chr4-39279784-T-C.
Other names: c.3394T>C, p.Cys1132Arg (NM_001317924.2); short protein forms C1132R, C1292R.
Identifiers: ClinVar variation 931286 (VCV000931286.4), dbSNP rs766752510, ClinGen allele CA2892514.